The following is an entry in ClinVar:

ClinVar aggregate classification (germline): Uncertain significance (1 of 4 stars; one submission).

Conditions:
Ehlers-Danlos syndrome, dermatosparaxis type. Also called: EDS VIIC; Dermatosparaxis; Ehlers-Danlos syndrome, type VII, autosomal recessive. Identifiers: Orphanet 1901, MedGen C2700425, MONDO:0009161, OMIM 225410.

gnomAD v4.1: 4 of 1,613,324 alleles (0.00025%); highest among the groups gnomAD compares: South Asian, 0.0022%; no homozygotes.

Submission:

Center for Genomics, Ann and Robert H. Lurie Children's Hospital of Chicago
Classification: Uncertain significance for Ehlers-Danlos syndrome, dermatosparaxis type. Last evaluated: 2021-03-30. Review status: criteria provided, single submitter. Criteria: ACMG Guidelines, 2015. Collection method: clinical testing. Allele origin: germline.
Comment: ADAMTS2 NM_014244.4 exon 3 p.Ala199Glu (c.596C>A): This variant has not been reported in the literature and is present in 0.003% (1/30614) of South Asian alleles in the Genome Aggregation Database. Evolutionary conservation and computational predictive tools suggest that this variant may not impact the protein. In summary, data on this variant is insufficient for disease classification. Therefore, the clinical significance of this variant is uncertain.

NM_014244.5(ADAMTS2):c.596C>A (p.Ala199Glu)

Gene: ADAMTS2 (ADAM metallopeptidase with thrombospondin type 1 motif 2; minus strand). Cytogenetic location: 5q35.3.
Variant type: single nucleotide variant.
Coding change: c.596C>A on transcript NM_014244.5 (MANE Select); coding-DNA position 596, C replaced by A.
Protein change: p.Ala199Glu; replaces alanine 199 with glutamic acid.
Molecular consequence: missense variant.
Genome position (GRCh38, 1-based): chr5:179,273,003, G>T on the plus strand (C>A on the coding strand, the complement: ADAMTS2 is on the minus strand). VCF-style: chr5-179273003-G-T. GRCh37 (hg19) VCF-style: chr5-178700004-G-T.
Other names: c.596C>A, p.Ala199Glu (NM_021599.4); short protein forms A199E.
Identifiers: ClinVar variation 626054 (VCV000626054.2), dbSNP rs76704342, ClinGen allele CA3596261.